The following is an entry in ClinVar:

ClinVar aggregate classification (germline): Conflicting classifications of pathogenicity. Review status: criteria provided, conflicting classifications (1 of 4 stars). 9 submissions from 9 submitters: Uncertain significance (1); Likely benign (7). 1 of the submissions does not count toward it. Last evaluated 2025-09-03.

Conditions:
MYH7-related disorder. Also called: MYH7-related condition; MYH7-related disease; MYH7-related disorders.
Cardiovascular phenotype. Identifiers: MedGen CN230736.
Cardiomyopathy (CMYO). Also called: Cardiomyopathies. Identifiers: Orphanet 167848, MedGen C0878544, MONDO:0004994, HP:0001638. Inheritance: Various modes of inheritance.
Hypertrophic cardiomyopathy. Also called: HYPERTROPHIC MYOCARDIOPATHY. Identifiers: Orphanet 217569, MedGen C0007194, MeSH D002312, MONDO:0005045, HP:0001639.

Allele frequency attached by ClinVar (database versions not stated): gnomAD exomes 0.00001; TOPMed 0.00004.
gnomAD v4.1: 22 of 1,614,020 alleles (0.0014%); highest among the groups gnomAD compares: Non-Finnish European, 0.0018%; no homozygotes.

Submissions (9):

Labcorp Genetics (formerly Invitae), Labcorp
Classification: Likely benign for Hypertrophic cardiomyopathy. Last evaluated: 2025-09-03. Review status: criteria provided, single submitter. Criteria: Invitae Variant Classification Sherloc (09022015). Collection method: clinical testing. Allele origin: germline.

Molecular Diagnostic Laboratory for Inherited Cardiovascular Disease, Montreal Heart Institute
Classification: Likely benign. Last evaluated: 2025-04-09. Review status: criteria provided, single submitter. Criteria: ACMG Guidelines, 2015. Collection method: clinical testing. Allele origin: germline. Affected: no.

Blueprint Genetics
Classification: Likely benign. Last evaluated: 2024-11-21. Review status: criteria provided, single submitter. Criteria: ACMG Guidelines, 2015. Collection method: clinical testing. Allele origin: germline.

All of Us Research Program, National Institutes of Health
Classification: Likely benign for Cardiomyopathy. Last evaluated: 2024-05-14. Review status: criteria provided, single submitter. Criteria: ACMG Guidelines, 2015. Collection method: clinical testing. Allele origin: germline. Inheritance: Autosomal dominant inheritance. Observed: 4 variant alleles, 4 heterozygotes.
Comment: This study involves interpretation of variants in research participants for the purpose of population health screening. Participant phenotype was not available at the time of variant classification. Additional details can be found in publication PMID: 35346344, PMCID: PMC8962531

Color Diagnostics, LLC DBA Color Health
Classification: Likely benign for Cardiomyopathy. Last evaluated: 2022-09-28. Review status: criteria provided, single submitter. Criteria: ACMG Guidelines, 2015. Collection method: clinical testing. Allele origin: germline.

Ambry Genetics
Classification: Likely benign for Cardiovascular phenotype. Last evaluated: 2022-06-19. Review status: criteria provided, single submitter. Criteria: Ambry Variant Classification Scheme 2023. Collection method: clinical testing. Allele origin: germline.

Eurofins Ntd Llc (ga)
Classification: Uncertain significance. Last evaluated: 2014-12-10. Review status: criteria provided, single submitter. Criteria: EGL Classification Definitions 2015. Collection method: clinical testing. Allele origin: germline. Observed: 2 variant alleles, 2 heterozygotes.

Laboratory for Molecular Medicine, Mass General Brigham Personalized Medicine
Classification: Likely benign. Last evaluated: 2008-03-01. Review status: criteria provided, single submitter. Criteria: LMM Criteria. Collection method: clinical testing. Allele origin: germline. Observed: 1 variant allele.

PreventionGenetics, part of Exact Sciences
Classification: Likely benign for MYH7-related condition. Last evaluated: 2022-04-04. Review status: no assertion criteria provided. Collection method: clinical testing. Allele origin: germline. Not counted in ClinVar's aggregate classification.
Comment: This variant is classified as likely benign based on ACMG/AMP sequence variant interpretation guidelines (Richards et al. 2015 PMID: 25741868, with internal and published modifications).

NM_000257.4(MYH7):c.2472C>T (p.Val824=)

Genes: MYH7 (myosin heavy chain 7; minus strand), LOC126861898 (BRD4-independent group 4 enhancer GRCh37_chr14:23893609-23894808; plus strand). Cytogenetic location: 14q11.2.
Variant type: single nucleotide variant.
Coding change: c.2472C>T on transcript NM_000257.4 (MANE Select); coding-DNA position 2472, C replaced by T.
Protein change: p.Val824=; no amino-acid change (valine 824 retained).
Molecular consequence: synonymous variant.
Genome position (GRCh38, 1-based): chr14:23,424,976, G>A on the plus strand (C>T on the coding strand, the complement: MYH7 is on the minus strand). VCF-style: chr14-23424976-G-A. GRCh37 (hg19) VCF-style: chr14-23894185-G-A.
Identifiers: ClinVar variation 42907 (VCV000042907.28), dbSNP rs397516150, ClinGen allele CA012414.